The following is an entry in ClinVar:

ClinVar aggregate classification (germline): Uncertain significance (1 of 4 stars; one submission).

gnomAD v4.1: 28 of 1,612,458 alleles (0.0017%); highest among the groups gnomAD compares: Admixed American, 0.0067%; no homozygotes.

Submission:

Labcorp Genetics (formerly Invitae), Labcorp
Classification: Uncertain significance. Last evaluated: 2025-12-13. Review status: criteria provided, single submitter. Criteria: Invitae Variant Classification Sherloc (09022015). Collection method: clinical testing. Allele origin: germline.
Comment: This sequence change replaces asparagine, which is neutral and polar, with serine, which is neutral and polar, at codon 1419 of the SPTBN2 protein (p.Asn1419Ser). This variant is present in population databases (rs778722219, gnomAD 0.009%). This variant has not been reported in the literature in individuals affected with SPTBN2-related conditions. Invitae Evidence Modeling of protein sequence and biophysical properties (such as structural, functional, and spatial information, amino acid conservation, physicochemical variation, residue mobility, and thermodynamic stability) indicates that this missense variant is not expected to disrupt SPTBN2 protein function with a negative predictive value of 80%. In summary, the available evidence is currently insufficient to determine the role of this variant in disease. Therefore, it has been classified as a Variant of Uncertain Significance.

NM_006946.4(SPTBN2):c.4256A>G (p.Asn1419Ser)

Gene: SPTBN2 (spectrin beta, non-erythrocytic 2; minus strand). Cytogenetic location: 11q13.2.
Variant type: single nucleotide variant.
Coding change: c.4256A>G on transcript NM_006946.4 (MANE Select); coding-DNA position 4256, A replaced by G.
Protein change: p.Asn1419Ser; replaces asparagine 1419 with serine.
Molecular consequence: missense variant.
Genome position (GRCh38, 1-based): chr11:66,696,299, T>C on the plus strand (A>G on the coding strand, the complement: SPTBN2 is on the minus strand). VCF-style: chr11-66696299-T-C. GRCh37 (hg19) VCF-style: chr11-66463770-T-C.
Other names: c.4277A>G, p.Asn1426Ser (NM_001411025.1); c.4256A>G, p.Asn1419Ser (NM_001437541.1); short protein forms N1419S, N1426S.
Identifiers: ClinVar variation 4751645 (VCV004751645.1).
Genomic context (GRCh38, chr11:66,696,299, plus strand): 5'-CTGCTGTTCACCATCCCCATCAAAGGCCCACAGCACACCTGCTGCTTCTTGAGCAGGATG[T>C]TGACGCTGGTGAGGTCCTTGCCGTAGTCATCCGAGTGCAGCTGGGCCTGCAGGCTCTCCA-3'
Protein context (NP_008877.2, residues 1409-1429): DDYGKDLTSV[Asn1419Ser]ILLKKQQMLE